The following is an entry in ClinVar:

ClinVar aggregate classification (germline): Uncertain significance. Review status: criteria provided, multiple submitters, no conflicts (2 of 4 stars). 2 submissions from 2 submitters: Uncertain significance (2). Last evaluated 2025-06-10.

Conditions:
Hypertrophic cardiomyopathy 1 (CMH1). Also called: MYH7-Related Familial Hypertrophic Cardiomyopathy; Familial hypertrophic cardiomyopathy 1. Identifiers: MedGen C3495498, MONDO:0008647, OMIM 192600.

Allele frequency attached by ClinVar (database versions not stated): TOPMed 0.00002; ExAC 0.00001; gnomAD 0.00001; gnomAD exomes 0.00001.

Submissions (2):

Ambry Genetics
Classification: Uncertain significance. Last evaluated: 2025-06-10. Review status: criteria provided, single submitter. Criteria: Ambry Variant Classification Scheme 2023. Collection method: clinical testing. Allele origin: germline.
Comment: The p.I390V variant (also known as c.1168A>G), located in coding exon 7 of the MYLK2 gene, results from an A to G substitution at nucleotide position 1168. The isoleucine at codon 390 is replaced by valine, an amino acid with highly similar properties. This amino acid position is conserved. In addition, this alteration is predicted to be tolerated by in silico analysis. Since supporting evidence is limited at this time, the clinical significance of this alteration remains unclear.

Labcorp Genetics (formerly Invitae), Labcorp
Classification: Uncertain significance for Hypertrophic cardiomyopathy 1. Last evaluated: 2025-06-10. Review status: criteria provided, single submitter. Criteria: Invitae Variant Classification Sherloc (09022015). Collection method: clinical testing. Allele origin: germline.
Comment: This sequence change replaces isoleucine, which is neutral and non-polar, with valine, which is neutral and non-polar, at codon 390 of the MYLK2 protein (p.Ile390Val). This variant is present in population databases (rs762726572, gnomAD 0.002%). This variant has not been reported in the literature in individuals affected with MYLK2-related conditions. ClinVar contains an entry for this variant (Variation ID: 657529). Invitae Evidence Modeling of protein sequence and biophysical properties (such as structural, functional, and spatial information, amino acid conservation, physicochemical variation, residue mobility, and thermodynamic stability) indicates that this missense variant is expected to disrupt MYLK2 protein function with a positive predictive value of 80%. In summary, the available evidence is currently insufficient to determine the role of this variant in disease. Therefore, it has been classified as a Variant of Uncertain Significance.

NM_033118.4(MYLK2):c.1168A>G (p.Ile390Val)

Gene: MYLK2 (myosin light chain kinase 2; plus strand). Cytogenetic location: 20q11.21.
Variant type: single nucleotide variant.
Coding change: c.1168A>G on transcript NM_033118.4 (MANE Select); coding-DNA position 1168, A replaced by G.
Protein change: p.Ile390Val; replaces isoleucine 390 with valine.
Molecular consequence: missense variant.
Genome position (GRCh38, 1-based): chr20:31,826,882, A>G. VCF-style: chr20-31826882-A-G. GRCh37 (hg19) VCF-style: chr20-30414685-A-G.
Other names: short protein forms I390V.
Identifiers: ClinVar variation 657529 (VCV000657529.11), dbSNP rs762726572, ClinGen allele CA9803126.